The following is an entry in ClinVar:

ClinVar aggregate classification (germline): Uncertain significance. Review status: criteria provided, multiple submitters, no conflicts (2 of 4 stars). 4 submissions from 4 submitters: Uncertain significance (4). Last evaluated 2026-06-18.

Conditions:
Cardiovascular phenotype. Identifiers: MedGen CN230736.
Cardiomyopathy (CMYO). Also called: Cardiomyopathies. Identifiers: Orphanet 167848, MedGen C0878544, MONDO:0004994, HP:0001638. Inheritance: Various modes of inheritance.
Hypertrophic cardiomyopathy. Also called: HYPERTROPHIC MYOCARDIOPATHY. Identifiers: Orphanet 217569, MedGen C0007194, MeSH D002312, MONDO:0005045, HP:0001639.

Allele frequency attached by ClinVar (database versions not stated): gnomAD 0.00002; TOPMed 0.00002.

Submissions (4):

Ambry Genetics
Classification: Uncertain significance for Cardiovascular phenotype. Last evaluated: 2026-06-18. Review status: criteria provided, single submitter. Criteria: Ambry Variant Classification Scheme 2023. Collection method: clinical testing. Allele origin: germline.
Comment: The p.P30T variant (also known as c.88C>A), located in coding exon 1 of the MYH7 gene, results from a C to A substitution at nucleotide position 88. The proline at codon 30 is replaced by threonine, an amino acid with highly similar properties. This amino acid position is conserved. In addition, this alteration is predicted to be tolerated by in silico analysis. Based on the available evidence, the clinical significance of this variant remains unclear.

Women's Health and Genetics/Laboratory Corporation of America, LabCorp
Classification: Uncertain significance. Last evaluated: 2025-12-11. Review status: criteria provided, single submitter. Criteria: LabCorp Variant Classification Summary - May 2015. Collection method: clinical testing. Allele origin: germline.

All of Us Research Program, National Institutes of Health
Classification: Uncertain significance for Cardiomyopathy. Last evaluated: 2024-08-06. Review status: criteria provided, single submitter. Criteria: ACMG Guidelines, 2015. Collection method: clinical testing. Allele origin: germline. Inheritance: Autosomal dominant inheritance. Observed: 1 variant allele, 1 heterozygote.
Comment: This study involves interpretation of variants in research participants for the purpose of population health screening. Participant phenotype was not available at the time of variant classification. Additional details can be found in publication PMID: 35346344, PMCID: PMC8962531

Labcorp Genetics (formerly Invitae), Labcorp
Classification: Uncertain significance for Hypertrophic cardiomyopathy. Last evaluated: 2022-08-18. Review status: criteria provided, single submitter. Criteria: Invitae Variant Classification Sherloc (09022015). Collection method: clinical testing. Allele origin: germline.
Comment: In summary, the available evidence is currently insufficient to determine the role of this variant in disease. Therefore, it has been classified as a Variant of Uncertain Significance. Algorithms developed to predict the effect of missense changes on protein structure and function are either unavailable or do not agree on the potential impact of this missense change (SIFT: "Deleterious"; PolyPhen-2: "Benign"; Align-GVGD: "Class C0"). This sequence change replaces proline, which is neutral and non-polar, with threonine, which is neutral and polar, at codon 30 of the MYH7 protein (p.Pro30Thr). This variant is not present in population databases (gnomAD no frequency). This variant has not been reported in the literature in individuals affected with MYH7-related conditions.

NM_000257.4(MYH7):c.88C>A (p.Pro30Thr)

Gene: MYH7 (myosin heavy chain 7; minus strand). Cytogenetic location: 14q11.2.
Variant type: single nucleotide variant.
Coding change: c.88C>A on transcript NM_000257.4 (MANE Select); coding-DNA position 88, C replaced by A.
Protein change: p.Pro30Thr; replaces proline 30 with threonine.
Molecular consequence: missense variant.
Genome position (GRCh38, 1-based): chr14:23,433,645, G>T on the plus strand (C>A on the coding strand, the complement: MYH7 is on the minus strand). VCF-style: chr14-23433645-G-T. GRCh37 (hg19) VCF-style: chr14-23902854-G-T.
Other names: c.88C>A, p.Pro30Thr (NM_001407004.1); short protein forms P30T.
Identifiers: ClinVar variation 1979840 (VCV001979840.7), dbSNP rs1016438334, ClinGen allele CA257826921.